The following is an entry in ClinVar:

NC_000001.10:g.(?_63010598)_(63010730_?)del

Gene: DOCK7 (dedicator of cytokinesis 7; minus strand). Cytogenetic location: 1p31.3.
Variant type: Deletion.
Identifiers: ClinVar variation 1441852 (VCV001441852.6).

ClinVar aggregate classification (germline): Uncertain significance (1 of 4 stars; one submission).

Conditions:
Developmental and epileptic encephalopathy, 23 (DEE23). Also called: Epileptic encephalopathy, early infantile, 23. Identifiers: Orphanet 411986, MedGen C4014492, MONDO:0014371, OMIM 615859.

Submission:

Labcorp Genetics (formerly Invitae), Labcorp
Classification: Uncertain significance for Developmental and epileptic encephalopathy, 23. Last evaluated: 2021-09-14. Review status: criteria provided, single submitter. Criteria: Invitae Variant Classification Sherloc (09022015). Collection method: clinical testing. Allele origin: germline.
Comment: In summary, the available evidence is currently insufficient to determine the role of this variant in disease. Therefore, it has been classified as a Variant of Uncertain Significance. Experimental studies and prediction algorithms are not available or were not evaluated, and the functional significance of this variant is currently unknown. This variant has not been reported in the literature in individuals affected with DOCK7-related conditions. This variant is a gross deletion of the genomic region encompassing exon(s) 23 of the DOCK7 gene. This variant would be expected to be in-frame, preserving the integrity of the reading frame.